The following is an entry in ClinVar:

NM_006459.4(ERLIN1):c.304+2T>C

Gene: ERLIN1 (ER lipid raft associated 1; minus strand). Cytogenetic location: 10q24.31.
Variant type: single nucleotide variant.
Coding change: c.304+2T>C on transcript NM_006459.4 (MANE Select); the canonical splice donor site of the intron after coding-DNA position 304, T replaced by C.
Molecular consequence: splice donor variant. On other transcripts: intron variant (1).
Genome position (GRCh38, 1-based): chr10:100,178,131, A>G on the plus strand (T>C on the coding strand, the complement: ERLIN1 is on the minus strand). VCF-style: chr10-100178131-A-G. GRCh37 (hg19) VCF-style: chr10-101937888-A-G.
Other names: c.304+2T>C (NM_001347857.2, NM_001100626.2, NM_001347860.2 and 2 more transcripts); c.52+2T>C (NM_001347856.2); c.-176-2061T>C (NM_001347858.2).
Identifiers: ClinVar variation 3896860 (VCV003896860.1).

ClinVar aggregate classification (germline): Uncertain significance (1 of 4 stars; one submission).

Conditions:
Hereditary spastic paraplegia 62. Also called: Spastic paraplegia 62, autosomal recessive. Identifiers: Orphanet 401785, MedGen C4284588, MONDO:0014302, OMIM 615681.

gnomAD v4.1: 1 of 1,566,446 alleles (0.000064%); no homozygotes.

Submission:

Kariminejad - Najmabadi Pathology & Genetics Center
Classification: Uncertain significance for Hereditary spastic paraplegia 62. Last evaluated: 2017-04-23. Review status: criteria provided, single submitter. Criteria: ACMG Guidelines, 2015. Collection method: clinical testing. Allele origin: germline. Inheritance: Autosomal recessive inheritance. Affected: yes.
Comment: PVS1_Moderate, PM2